The following is an entry in ClinVar:

NM_005529.7(HSPG2):c.2036G>A (p.Arg679His)

Gene: HSPG2 (heparan sulfate proteoglycan 2; minus strand). Cytogenetic location: 1p36.12.
Variant type: single nucleotide variant.
Coding change: c.2036G>A on transcript NM_005529.7 (MANE Select); coding-DNA position 2036, G replaced by A.
Protein change: p.Arg679His; replaces arginine 679 with histidine.
Molecular consequence: missense variant.
Genome position (GRCh38, 1-based): chr1:21,880,522, C>T on the plus strand (G>A on the coding strand, the complement: HSPG2 is on the minus strand). VCF-style: chr1-21880522-C-T. GRCh37 (hg19) VCF-style: chr1-22207015-C-T.
Other names: c.2036G>A (NM_005529.5); c.2039G>A, p.Arg680His (NM_001291860.2); short protein forms R679H, R680H.
Identifiers: ClinVar variation 2076034 (VCV002076034.5), dbSNP rs766963773, ClinGen allele CA673208.

ClinVar aggregate classification (germline): Uncertain significance. Review status: criteria provided, multiple submitters, no conflicts (2 of 4 stars). 2 submissions from 2 submitters: Uncertain significance (2). Last evaluated 2022-03-08.

Allele frequency attached by ClinVar (database versions not stated): ExAC 0.00003.

Submissions (2):

Labcorp Genetics (formerly Invitae), Labcorp
Classification: Uncertain significance. Last evaluated: 2022-03-08. Review status: criteria provided, single submitter. Criteria: Invitae Variant Classification Sherloc (09022015). Collection method: clinical testing. Allele origin: germline.
Comment: In summary, the available evidence is currently insufficient to determine the role of this variant in disease. Therefore, it has been classified as a Variant of Uncertain Significance. Algorithms developed to predict the effect of missense changes on protein structure and function are either unavailable or do not agree on the potential impact of this missense change (SIFT: "Deleterious"; PolyPhen-2: "Probably Damaging"; Align-GVGD: "Class C0"). This variant has not been reported in the literature in individuals affected with HSPG2-related conditions. This variant is present in population databases (rs766963773, gnomAD 0.007%). This sequence change replaces arginine, which is basic and polar, with histidine, which is basic and polar, at codon 679 of the HSPG2 protein (p.Arg679His).

Revvity Omics, Revvity
Classification: Uncertain significance. Last evaluated: 2019-05-24. Review status: criteria provided, single submitter. Criteria: ACMG Guidelines, 2015. Collection method: clinical testing. Allele origin: germline.